The following is an entry in ClinVar:

ClinVar aggregate classification (germline): Uncertain significance. Review status: criteria provided, multiple submitters, no conflicts (2 of 4 stars). 2 submissions from 2 submitters: Uncertain significance (2). Last evaluated 2024-02-01.

Allele frequency attached by ClinVar (database versions not stated): TOPMed below 0.00001; gnomAD 0.00001; gnomAD exomes 0.00001.
gnomAD v4.1: 12 of 1,614,064 alleles (0.00074%); highest among the groups gnomAD compares: Non-Finnish European, 0.00093%; no homozygotes.

Submissions (2):

CeGaT Center for Human Genetics Tuebingen
Classification: Uncertain significance. Last evaluated: 2024-02-01. Review status: criteria provided, single submitter. Criteria: CeGaT Center For Human Genetics Tuebingen Variant Classification Criteria Version 2. Collection method: clinical testing. Allele origin: germline. Affected: yes. Observed: 1 variant allele.

GeneDx
Classification: Uncertain significance. Last evaluated: 2020-10-20. Review status: criteria provided, single submitter. Criteria: GeneDx Variant Classification Process June 2021. Collection method: clinical testing. Allele origin: germline. Affected: yes.
Comment: Not observed in large population cohorts (Lek et al., 2016); In silico analysis supports that this missense variant has a deleterious effect on protein structure/function; Has not been previously published as pathogenic or benign to our knowledge

NM_001429.4(EP300):c.7105C>A (p.Gln2369Lys)

Gene: EP300 (EP300 lysine acetyltransferase; plus strand). Cytogenetic location: 22q13.2.
Variant type: single nucleotide variant.
Coding change: c.7105C>A on transcript NM_001429.4 (MANE Select); coding-DNA position 7105, C replaced by A.
Protein change: p.Gln2369Lys; replaces glutamine 2369 with lysine.
Molecular consequence: missense variant.
Genome position (GRCh38, 1-based): chr22:41,178,816, C>A. VCF-style: chr22-41178816-C-A. GRCh37 (hg19) VCF-style: chr22-41574820-C-A.
Other names: c.7027C>A, p.Gln2343Lys (NM_001362843.2); short protein forms Q2343K, Q2369K.
Identifiers: ClinVar variation 1215224 (VCV001215224.25), dbSNP rs1163407374, ClinGen allele CA411684369.